The following is an entry in ClinVar:

NM_000404.4(GLB1):c.1644C>T (p.Leu548=)

Gene: GLB1 (galactosidase beta 1; minus strand). Cytogenetic location: 3p22.3.
Variant type: single nucleotide variant.
Coding change: c.1644C>T on transcript NM_000404.4 (MANE Select); coding-DNA position 1644, C replaced by T.
Protein change: p.Leu548=; no amino-acid change (leucine 548 retained).
Molecular consequence: synonymous variant.
Genome position (GRCh38, 1-based): chr3:33,014,146, G>A on the plus strand (C>T on the coding strand, the complement: GLB1 is on the minus strand). VCF-style: chr3-33014146-G-A. GRCh37 (hg19) VCF-style: chr3-33055638-G-A.
Other names: c.1554C>T, p.Leu518= (NM_001079811.3); c.1251C>T, p.Leu417= (NM_001135602.3); c.1788C>T, p.Leu596= (NM_001317040.2); c.1644C>T, p.Leu548= (NM_001393580.1).
Identifiers: ClinVar variation 729883 (VCV000729883.9), dbSNP rs761482093, ClinGen allele CA2299336.

ClinVar aggregate classification (germline): Likely benign. Review status: criteria provided, multiple submitters, no conflicts (2 of 4 stars). 3 submissions from 3 submitters: Likely benign (3). Last evaluated 2026-07-01.

Conditions:
GM1 gangliosidosis. Identifiers: Orphanet 354, MedGen C0085131, MONDO:0018149.
Mucopolysaccharidosis, MPS-IV-B (MPS4B). Also called: Mucopolysaccharidosis Type IVB (Morquio B Disease); Mucopolysaccharidosis type IV B; Mucopolysaccharidosis Type IVB; Mucopolysaccharidosis type 4B; MORQUIO SYNDROME B; Mucopolysaccharidosis type IVB (Morquio). Identifiers: Orphanet 309310, Orphanet 582, MedGen C0086652, MONDO:0009660, OMIM 253010.

Allele frequency attached by ClinVar (database versions not stated): gnomAD exomes below 0.00001; ExAC 0.00002; TOPMed 0.00002.
gnomAD v4.1: 9 of 1,614,094 alleles (0.00056%); highest among the groups gnomAD compares: African/African-American, 0.0013%; no homozygotes.

Submissions (3):

CeGaT Center for Human Genetics Tuebingen
Classification: Likely benign. Last evaluated: 2026-07-01. Review status: criteria provided, single submitter. Criteria: CeGaT Center For Human Genetics Tuebingen Variant Classification Criteria Version 2. Collection method: clinical testing. Allele origin: germline. Affected: yes. Observed: 1 variant allele.
Comment: GLB1: BP4, BP7

Labcorp Genetics (formerly Invitae), Labcorp
Classification: Likely benign for Mucopolysaccharidosis, MPS-IV-B; GM1 gangliosidosis. Last evaluated: 2026-01-19. Review status: criteria provided, single submitter. Criteria: Invitae Variant Classification Sherloc (09022015). Collection method: clinical testing. Allele origin: germline.

Blueprint Genetics
Classification: Likely benign. Last evaluated: 2024-05-10. Review status: criteria provided, single submitter. Criteria: ACMG Guidelines, 2015. Collection method: clinical testing. Allele origin: germline.